The following is an entry in ClinVar:

NM_000018.4(ACADVL):c.632_633del (p.Val211fs)

Gene: ACADVL (acyl-CoA dehydrogenase very long chain; plus strand). Cytogenetic location: 17p13.1.
Variant type: Microsatellite.
Coding change: c.632_633del on transcript NM_000018.4 (MANE Select); coding-DNA positions 632 to 633, 2 bases deleted (TG; older notation c.632_633delTG).
Protein change: p.Val211fs; shifts the reading frame from valine 211.
Molecular consequence: frameshift variant.
Genome position (GRCh38, 1-based): chr17:7,221,961-7,221,962, TG deleted; deleting any 2 consecutive bases within chr17:7,221,959-7,221,962 gives the same sequence; the c. name uses the placement nearest the transcript's 3' end. VCF-style (leftmost placement, unchanged base first): chr17-7221958-CTG-C. GRCh37 (hg19) VCF-style: chr17-7125277-CTG-C.
Other names: NM_000018.4(ACADVL):c.632_633del; p.Val211fs; c.566_567del, p.Val189fs (NM_001033859.3); c.701_702del, p.Val234fs (NM_001270447.2); c.404_405del, p.Val135fs (NM_001270448.2); short protein forms V189fs, V211fs, V135fs, V234fs.
Identifiers: ClinVar variation 934787 (VCV000934787.11), dbSNP rs1489679976, ClinGen allele CA624860663.

ClinVar aggregate classification (germline): Likely pathogenic. Review status: reviewed by expert panel (3 of 4 stars). 4 submissions from 4 submitters: Likely pathogenic (1). 3 of the submissions do not count toward it. Last evaluated 2022-06-04.

Conditions:
Very long chain acyl-CoA dehydrogenase deficiency (ACADVLD). Also called: Very Long-Chain Acyl-Coenzyme A Dehydrogenase Deficiency; VLCAD Deficiency. Identifiers: Orphanet 26793, MedGen C3887523, MONDO:0008723, OMIM 201475.

Submissions (4):

ClinGen ACADVL Variant Curation Expert Panel, ClinGen
Classification: Likely pathogenic for Very long chain acyl-CoA dehydrogenase deficiency. Last evaluated: 2022-06-04. Review status: reviewed by expert panel. Criteria: clingen acadvl acmg specifications v1. Collection method: curation. Allele origin: germline. Inheritance: Autosomal recessive inheritance.
Comment: The c.632_633del (p.Val211GlyfsTer41)variant in ACADVL is a frameshift variant predicted to cause a premature stop codon in biologically-relevant-exon 9/20 leading to nonsense mediated decay in a gene in which loss-of-function is an established disease mechanism (PVS1; PMIDs 9973285, 11590124). This variant is absent from gnomAD v2.1.1 (PM2_Supporting). To our knowledge, this variant has not been reported in the literature in patients with ACADVL related disease or in functional studies. The ACADVL Variant Curation Expert Panel VCEP classified the variant as likely pathogenic based on PVS1+PM2_supporting. In summary, this variant meets the criteria to be classified as likely pathogenic for autosomal recessive very long chain acyl-CoA dehydrogenase (VLCAD) deficiency based on the ACMG/AMP criteria applied, as specified by the ClinGen ACADVL Variant Curation Expert Panel: PMS2_Supporting, PVS1. (Required: VCEP specifications version 2.0; 1/14/22.)

Labcorp Genetics (formerly Invitae), Labcorp
Classification: Pathogenic for Very long chain acyl-CoA dehydrogenase deficiency. Last evaluated: 2026-01-07. Review status: criteria provided, single submitter. Criteria: Invitae Variant Classification Sherloc (09022015). Collection method: clinical testing. Allele origin: germline. Not counted in ClinVar's aggregate classification.
Comment: This sequence change creates a premature translational stop signal (p.Val211Glyfs*41) in the ACADVL gene. It is expected to result in an absent or disrupted protein product. Loss-of-function variants in ACADVL are known to be pathogenic (PMID: 9973285, 11590124). This variant is present in population databases (no rsID available, gnomAD 0.0009%). This variant has not been reported in the literature in individuals affected with ACADVL-related conditions. ClinVar contains an entry for this variant (Variation ID: 934787). For these reasons, this variant has been classified as Pathogenic.

Fulgent Genetics
Classification: Likely pathogenic for Very long chain acyl-CoA dehydrogenase deficiency. Last evaluated: 2024-05-30. Review status: criteria provided, single submitter. Criteria: ACMG Guidelines, 2015. Collection method: clinical testing. Allele origin: germline. Not counted in ClinVar's aggregate classification.

Revvity Omics, Revvity
Classification: Likely pathogenic for Very long chain acyl-CoA dehydrogenase deficiency. Last evaluated: 2022-03-14. Review status: criteria provided, single submitter. Criteria: ACMG Guidelines, 2015. Collection method: clinical testing. Allele origin: germline. Not counted in ClinVar's aggregate classification.

Literature cited by the submitters: PubMed 9973285 (cited by Labcorp Genetics (formerly Invitae), Labcorp); PubMed 11590124 (cited by Labcorp Genetics (formerly Invitae), Labcorp).